The following is an entry in ClinVar:

NM_000138.5(FBN1):c.347-2A>C

Gene: FBN1 (fibrillin 1; minus strand). Cytogenetic location: 15q21.1.
Variant type: single nucleotide variant.
Coding change: c.347-2A>C on transcript NM_000138.5 (MANE Select); the canonical splice acceptor site of the intron before coding-DNA position 347, A replaced by C.
Molecular consequence: splice acceptor variant.
Genome position (GRCh38, 1-based): chr15:48,600,236, T>G on the plus strand (A>C on the coding strand, the complement: FBN1 is on the minus strand). VCF-style: chr15-48600236-T-G. GRCh37 (hg19) VCF-style: chr15-48892433-T-G.
Other names: c.347-2A>C (NM_001406716.1, NM_001406717.1).
Identifiers: ClinVar variation 3075303 (VCV003075303.2), dbSNP rs1555405056, ClinGen allele CA392446648.
Genomic context (GRCh38, chr15:48,600,236, plus strand): 5'-TAGACAGTGATCGTCACTGCAGCTACCTCCATTCATACAGCGAATATTGCAGTGTTGTAC[T>G]TGAAAAAAAAGAAGAAGAATTCACTTTTGCAACTTAAATGCATAGATTGCAACAGCTCAC-3'

ClinVar aggregate classification (germline): Likely pathogenic. Review status: criteria provided, multiple submitters, no conflicts (2 of 4 stars). 2 submissions from 2 submitters: Likely pathogenic (2). Last evaluated 2024-01-08.

Conditions:
Familial thoracic aortic aneurysm and aortic dissection (TAAD). Also called: Thoracic aortic aneurysms and dissections. Identifiers: Orphanet 91387, MedGen C4707243, MONDO:0019625.
Marfan syndrome (MFS). Also called: MARFAN SYNDROME, TYPE I; Marfan syndrome type 1; Marfan's syndrome; Marfan syndrome, classic; FBN1-Related Marfan Syndrome. Identifiers: Orphanet 284963, Orphanet 558, MedGen C0024796, MONDO:0007947, OMIM 154700.

Submissions (2):

All of Us Research Program, National Institutes of Health
Classification: Likely pathogenic for Marfan syndrome. Last evaluated: 2024-01-08. Review status: criteria provided, single submitter. Criteria: ACMG Guidelines, 2015. Collection method: clinical testing. Allele origin: germline. Inheritance: Autosomal dominant inheritance. Observed: 1 variant allele, 1 heterozygote.
Comment: This variant causes a A to C nucleotide substitution at the -2 position of intron 4 of the FBN1 gene. Splice site prediction tools predict that this variant may have a significant impact on RNA splicing. Although this prediction has not been confirmed in published RNA studies, this variant is expected to result in an absent or disrupted protein product. This variant has not been reported in individuals affected with FBN1-related disorders in the literature. This variant has not been identified in the general population by the Genome Aggregation Database (gnomAD). A different variant occurring at the same position, c.347-2A>G, has been reported in individuals affected with Marfan syndrome and is known to be disease-causing (ClinVar variation ID: 519716). Loss of FBN1 gene function is a known mechanism of disease. Based on the available evidence, this variant is classified as Likely Pathogenic.

This study involves interpretation of variants in research participants for the purpose of population health screening. Participant phenotype was not available at the time of variant classification. Additional details can be found in publication PMID: 35346344, PMCID: PMC8962531

Color Diagnostics, LLC DBA Color Health
Classification: Likely pathogenic for Familial thoracic aortic aneurysm and aortic dissection. Last evaluated: 2023-11-06. Review status: criteria provided, single submitter. Criteria: ACMG Guidelines, 2015. Collection method: clinical testing. Allele origin: germline.
Comment: This variant causes a A to C nucleotide substitution at the -2 position of intron 4 of the FBN1 gene. Splice site prediction tools predict that this variant may have a significant impact on RNA splicing. Although this prediction has not been confirmed in published RNA studies, this variant is expected to result in an absent or disrupted protein product. This variant has not been reported in individuals affected with FBN1-related disorders in the literature. This variant has not been identified in the general population by the Genome Aggregation Database (gnomAD). A different variant occurring at the same position, c.347-2A>G, has been reported in individuals affected with Marfan syndrome and is known to be disease-causing (ClinVar variation ID: 519716). Loss of FBN1 gene function is a known mechanism of disease. Based on the available evidence, this variant is classified as Likely Pathogenic.